The following is an entry in ClinVar:

NM_001365308.1(BMPER):c.493+5C>T

Gene: BMPER (BMP binding endothelial regulator; plus strand). Cytogenetic location: 7p14.3.
Variant type: single nucleotide variant.
Coding change: c.493+5C>T on transcript NM_001365308.1 (MANE Select); 5 bases into the intron after coding-DNA position 493, C replaced by T.
Molecular consequence: intron variant.
Genome position (GRCh38, 1-based): chr7:33,970,424, C>T. VCF-style: chr7-33970424-C-T. GRCh37 (hg19) VCF-style: chr7-34010036-C-T.
Other names: c.493+5C>T (NM_133468.5).
Identifiers: ClinVar variation 911114 (VCV000911114.13), dbSNP rs191957211, ClinGen allele CA4215083.

ClinVar aggregate classification (germline): Conflicting classifications of pathogenicity. Review status: criteria provided, conflicting classifications (1 of 4 stars). 3 submissions from 3 submitters: Uncertain significance (1); Likely benign (2). Last evaluated 2026-02-02.

Conditions:
Diaphanospondylodysostosis. Also called: VERTEBRAL OSSIFICATION, DEFECT IN, WITH NEPHROGENIC RESTS. Identifiers: Orphanet 66637, MedGen C1842691, MONDO:0011946, OMIM 608022.

Allele frequency attached by ClinVar (database versions not stated): 1000 Genomes Project 0.00080; 1000 Genomes Project 30x 0.00094; gnomAD 0.00101 and 0.00104; gnomAD exomes 0.00111; TOPMed 0.00127; ExAC 0.00138; ESP Exome Variant Server 0.00146.
gnomAD v4.1: 2,798 of 1,613,076 alleles (0.17%); highest among the groups gnomAD compares: Non-Finnish European, 0.22%; 3 homozygotes.

Submissions (3):

Labcorp Genetics (formerly Invitae), Labcorp
Classification: Likely benign. Last evaluated: 2026-02-02. Review status: criteria provided, single submitter. Criteria: Invitae Variant Classification Sherloc (09022015). Collection method: clinical testing. Allele origin: germline.

Blueprint Genetics
Classification: Likely benign. Last evaluated: 2024-11-21. Review status: criteria provided, single submitter. Criteria: ACMG Guidelines, 2015. Collection method: clinical testing. Allele origin: germline.

Illumina Laboratory Services, Illumina
Classification: Uncertain significance for Diaphanospondylodysostosis. Last evaluated: 2017-04-27. Review status: criteria provided, single submitter. Criteria: ICSL Variant Classification Criteria 13 December 2019. Collection method: clinical testing. Allele origin: germline.
Comment: This variant was observed as part of a predisposition screen in an ostensibly healthy population. A literature search was performed for the gene, cDNA change, and amino acid change (where applicable). Publications were found based on this search. However, the evidence from the literature, in combination with allele frequency data from public databases where available, was not sufficient to rule this variant in or out of causing disease. Therefore, this variant is classified as a variant of unknown significance.

Literature cited by the submitters: PubMed 20869035 (cited by Illumina Laboratory Services, Illumina); PubMed 21990102 (cited by Illumina Laboratory Services, Illumina).